The following is an entry in ClinVar:

NM_138713.4(NFAT5):c.4392G>A (p.Met1464Ile)

Gene: NFAT5 (nuclear factor of activated T cells 5; plus strand). Cytogenetic location: 16q22.1.
Variant type: single nucleotide variant.
Coding change: c.4392G>A on transcript NM_138713.4 (MANE Select); coding-DNA position 4392, G replaced by A.
Protein change: p.Met1464Ile; replaces methionine 1464 with isoleucine.
Molecular consequence: missense variant.
Genome position (GRCh38, 1-based): chr16:69,694,217, G>A. VCF-style: chr16-69694217-G-A. GRCh37 (hg19) VCF-style: chr16-69728120-G-A.
Other names: c.4389G>A, p.Met1463Ile (NM_001113178.3); c.3717G>A, p.Met1239Ile (NM_001367709.1); c.4338G>A, p.Met1446Ile (NM_006599.4); c.4110G>A, p.Met1370Ile (NM_138714.4, NM_173214.3, NM_173215.3); c.4392G>A, p.Met1464Ile (LRG_1332t1); short protein forms M1446I, M1463I, M1239I, M1370I, M1464I.
Identifiers: ClinVar variation 646191 (VCV000646191.9), dbSNP rs188500009, ClinGen allele CA8136047.

ClinVar aggregate classification (germline): Uncertain significance (1 of 4 stars; one submission).

Conditions:
Immunodeficiency. Identifiers: MedGen C0021051, MONDO:0021094, HP:0002721.

Allele frequency attached by ClinVar (database versions not stated): gnomAD exomes below 0.00001; ExAC 0.00001; gnomAD 0.00001; 1000 Genomes Project 0.00020; 1000 Genomes Project 30x 0.00031.

Submission:

Labcorp Genetics (formerly Invitae), Labcorp
Classification: Uncertain significance for Immunodeficiency. Last evaluated: 2020-03-04. Review status: criteria provided, single submitter. Criteria: Invitae Variant Classification Sherloc (09022015). Collection method: clinical testing. Allele origin: germline.
Comment: Algorithms developed to predict the effect of missense changes on protein structure and function (SIFT, PolyPhen-2, Align-GVGD) all suggest that this variant is likely to be tolerated, but these predictions have not been confirmed by published functional studies and their clinical significance is uncertain. This variant has not been reported in the literature in individuals with NFAT5-related conditions. This variant is present in population databases (rs188500009, ExAC 0.009%). This sequence change replaces methionine with isoleucine at codon 1370 of the NFAT5 protein (p.Met1370Ile). The methionine residue is moderately conserved and there is a small physicochemical difference between methionine and isoleucine. In summary, the available evidence is currently insufficient to determine the role of this variant in disease. Therefore, it has been classified as a Variant of Uncertain Significance.